The following is an entry in ClinVar:

NM_000256.3(MYBPC3):c.841C>G (p.Arg281Gly)

Gene: MYBPC3 (myosin binding protein C3; minus strand). Cytogenetic location: 11p11.2.
Variant type: single nucleotide variant.
Coding change: c.841C>G on transcript NM_000256.3 (MANE Select); coding-DNA position 841, C replaced by G.
Protein change: p.Arg281Gly; replaces arginine 281 with glycine.
Molecular consequence: missense variant.
Genome position (GRCh38, 1-based): chr11:47,347,661, G>C on the plus strand (C>G on the coding strand, the complement: MYBPC3 is on the minus strand). VCF-style: chr11-47347661-G-C. GRCh37 (hg19) VCF-style: chr11-47369212-G-C.
Other names: short protein forms R281G.
Identifiers: ClinVar variation 838392 (VCV000838392.16), dbSNP rs371711564, ClinGen allele CA380333543.

ClinVar aggregate classification (germline): Uncertain significance. Review status: criteria provided, multiple submitters, no conflicts (2 of 4 stars). 5 submissions from 5 submitters: Uncertain significance (4). 1 of the submissions does not count toward it. Last evaluated 2025-10-21.

Conditions:
Hypertrophic cardiomyopathy. Also called: HYPERTROPHIC MYOCARDIOPATHY. Identifiers: Orphanet 217569, MedGen C0007194, MeSH D002312, MONDO:0005045, HP:0001639.
Cardiomyopathy (CMYO). Also called: Cardiomyopathies. Identifiers: Orphanet 167848, MedGen C0878544, MONDO:0004994, HP:0001638. Inheritance: Various modes of inheritance.

Allele frequency attached by ClinVar (database versions not stated): TOPMed 0.00001.
gnomAD v4.1: 25 of 1,574,358 alleles (0.0016%); highest among the groups gnomAD compares: Non-Finnish European, 0.0021%; no homozygotes.

Submissions (5):

Color Diagnostics, LLC DBA Color Health
Classification: Uncertain significance for Cardiomyopathy. Last evaluated: 2025-10-21. Review status: criteria provided, single submitter. Criteria: ACMG Guidelines, 2015. Collection method: clinical testing. Allele origin: germline.
Comment: This missense variant replaces arginine with glycine at codon 281 of the MYBPC3 protein. Computational prediction suggests that this variant may not impact protein structure and function. To our knowledge, functional studies have not been reported for this variant. This variant has not been reported in individuals affected with MYBPC3-related disorders in the literature. This variant has been identified in 25/1574358 chromosomes in the general population by the Genome Aggregation Database (gnomAD). The available evidence is insufficient to determine the role of this variant in disease conclusively. Therefore, this variant is classified as a Variant of Uncertain Significance.

All of Us Research Program, National Institutes of Health
Classification: Uncertain significance for Hypertrophic cardiomyopathy. Last evaluated: 2023-12-01. Review status: criteria provided, single submitter. Criteria: ACMG Guidelines, 2015. Collection method: clinical testing. Allele origin: germline. Inheritance: Autosomal dominant inheritance. Observed: 3 variant alleles, 3 heterozygotes.
Comment: This missense variant replaces arginine with glycine at codon 281 of the MYBPC3 protein. Computational prediction suggests that this variant may not impact protein structure and function (internally defined REVEL score threshold <= 0.5, PMID: 27666373). Splice site prediction tools suggest that this variant may not impact RNA splicing. To our knowledge, functional studies have not been performed for this variant. This variant has not been reported in individuals affected with cardiovascular disorders in the literature. This variant has been identified in 1/187376 chromosomes in the general population by the Genome Aggregation Database (gnomAD). The available evidence is insufficient to determine the role of this variant in disease conclusively. Therefore, this variant is classified as a Variant of Uncertain Significance.

This study involves interpretation of variants in research participants for the purpose of population health screening. Participant phenotype was not available at the time of variant classification. Additional details can be found in publication PMID: 35346344, PMCID: PMC8962531

Labcorp Genetics (formerly Invitae), Labcorp
Classification: Uncertain significance for Hypertrophic cardiomyopathy. Last evaluated: 2023-05-20. Review status: criteria provided, single submitter. Criteria: Invitae Variant Classification Sherloc (09022015). Collection method: clinical testing. Allele origin: germline.
Comment: In summary, the available evidence is currently insufficient to determine the role of this variant in disease. Therefore, it has been classified as a Variant of Uncertain Significance. Algorithms developed to predict the effect of sequence changes on RNA splicing suggest that this variant may disrupt the consensus splice site. An algorithm developed to predict the effect of missense changes on protein structure and function (PolyPhen-2) suggests that this variant¬† is likely to be tolerated. ClinVar contains an entry for this variant (Variation ID: 838392). This variant has not been reported in the literature in individuals affected with MYBPC3-related conditions. This variant is present in population databases (no rsID available, gnomAD 0.001%). This sequence change replaces arginine, which is basic and polar, with glycine, which is neutral and non-polar, at codon 281 of the MYBPC3 protein (p.Arg281Gly).

Blueprint Genetics
Classification: Uncertain significance. Last evaluated: 2021-03-22. Review status: criteria provided, single submitter. Criteria: ACMG Guidelines, 2015. Collection method: clinical testing. Allele origin: germline.

Zaffran Lab, Genetics of Cardiac Diseases Laboratory, Marseille Medical Genetics
Classification: Uncertain significance for hypertrophic cardiomyopathy. Review status: no assertion criteria provided. Collection method: research. Allele origin: unknown. Affected: yes. Not counted in ClinVar's aggregate classification.